The following is an entry in ClinVar:

NM_004586.3(RPS6KA3):c.594-10dup

Gene: RPS6KA3 (ribosomal protein S6 kinase A3; minus strand). Cytogenetic location: Xp22.12.
Variant type: Duplication.
Coding change: c.594-10dup on transcript NM_004586.3 (MANE Select); 10 bases into the intron before coding-DNA position 594, one base duplicated (T; older notation c.594-10dupT).
Molecular consequence: intron variant.
Genome position (GRCh38, 1-based): chrX:20,188,538, A duplicated on the plus strand (T on the coding strand, the reverse complement: RPS6KA3 is on the minus strand); the first of 7 consecutive A bases (chrX:20,188,538-20,188,544); duplicating any one gives the same sequence. VCF-style (leftmost placement, unchanged base first): chrX-20188537-G-GA. GRCh37 (hg19) VCF-style: chrX-20206655-G-GA.
Other names: c.594-4dupT (NM_004586.2).
Identifiers: ClinVar variation 593642 (VCV000593642.18), dbSNP rs755566588, ClinGen allele CA10366247.
Genomic context (GRCh38, chrX:20,188,537, plus strand): 5'-AACGAGGATTTTTTTTTTACCTGTTAACTTGATGTGACCTTCTTCATCAAGAAGTATACT[G>GA]AAAAAAACAAAGAAAATCTTTTAAGAACACTAAATAGAGATTTATAGAAGCTAAGACTGA-3'

ClinVar aggregate classification (germline): Conflicting classifications of pathogenicity. Review status: criteria provided, conflicting classifications (1 of 4 stars). 6 submissions from 6 submitters: Uncertain significance (1); Benign (3); Likely benign (2). Last evaluated 2025-12-09.

Conditions:
Inborn genetic diseases. Identifiers: MedGen C0950123, MeSH D030342.
Coffin-Lowry syndrome (CLS). Also called: COFFIN-LOWRY SYNDROME, MILD; Mental retardation with osteocartilaginous abnormalities. Identifiers: Orphanet 192, MedGen C0265252, MONDO:0010561, OMIM 303600.
Intellectual developmental disorder, X-linked 19. Also called: Intellectual disability, X-linked 19. Identifiers: Orphanet 777, MedGen C0796225, MONDO:0010447, OMIM 300844.

Submissions (6):

Labcorp Genetics (formerly Invitae), Labcorp
Classification: Benign for Coffin-Lowry syndrome; Intellectual developmental disorder, X-linked 19. Last evaluated: 2025-12-09. Review status: criteria provided, single submitter. Criteria: Invitae Variant Classification Sherloc (09022015). Collection method: clinical testing. Allele origin: germline.

Blueprint Genetics
Classification: Likely benign. Last evaluated: 2023-12-13. Review status: criteria provided, single submitter. Criteria: ACMG Guidelines, 2015. Collection method: clinical testing. Allele origin: germline.

GeneDx
Classification: Benign. Last evaluated: 2020-08-05. Review status: criteria provided, single submitter. Criteria: GeneDx Variant Classification Process June 2021. Collection method: clinical testing. Allele origin: germline. Affected: yes.

Eurofins Ntd Llc (ga)
Classification: Likely benign. Last evaluated: 2017-09-05. Review status: criteria provided, single submitter. Criteria: EGL Classification Definitions 2015. Collection method: clinical testing. Allele origin: germline. Observed: 1 variant allele, 1 heterozygote.

Genetic Services Laboratory, University of Chicago
Classification: Benign. Last evaluated: 2017-07-19. Review status: criteria provided, single submitter. Criteria: ACMG Guidelines, 2015. Collection method: clinical testing. Allele origin: germline. Affected: no.

Ambry Genetics
Classification: Uncertain significance for Inborn genetic diseases. Last evaluated: 2015-10-12. Review status: criteria provided, single submitter. Criteria: Ambry Variant Classification Scheme 2023. Collection method: clinical testing. Allele origin: germline.
Comment: This variant, c.594-4dupT variant is located in intron 7 of the RPS6KA3 gene. This results in the insertion of an extra T residue between the 3rd and 4th nucleotides before exon 8. This variant was not reported in population-based cohorts in the following databases: Database of Single Nucleotide Polymorphisms (dbSNP), NHLBI Exome Sequencing Project (ESP) and 1000 Genomes Project. Using the BDGP and ESEfinder splice site prediction tools, this alteration does not have any significant effect on this acceptor splice site; however, direct evidence is unavailable. Since supporting evidence is limited at this time, the clinical significance of this variant remains unclear.